The following is an entry in ClinVar:

NM_001015880.2(PAPSS2):c.818G>A (p.Arg273Gln)

Gene: PAPSS2 (3'-phosphoadenosine 5'-phosphosulfate synthase 2; plus strand). Cytogenetic location: 10q23.31.
Variant type: single nucleotide variant.
Coding change: c.818G>A on transcript NM_001015880.2 (MANE Select); coding-DNA position 818, G replaced by A.
Protein change: p.Arg273Gln; replaces arginine 273 with glutamine.
Molecular consequence: missense variant.
Genome position (GRCh38, 1-based): chr10:87,715,796, G>A. VCF-style: chr10-87715796-G-A. GRCh37 (hg19) VCF-style: chr10-89475553-G-A.
Other names: c.818G>A, p.Arg273Gln (NM_004670.4); c.818G>A (NM_004670.3); short protein forms R273Q.
Identifiers: ClinVar variation 1019451 (VCV001019451.7), dbSNP rs1348137811, ClinGen allele CA377488440.

ClinVar aggregate classification (germline): Uncertain significance. Review status: criteria provided, multiple submitters, no conflicts (2 of 4 stars). 3 submissions from 3 submitters: Uncertain significance (3). Last evaluated 2024-09-26.

Conditions:
Inborn genetic diseases. Identifiers: MedGen C0950123, MeSH D030342.
Spondyloepimetaphyseal dysplasia, PAPSS2 type. Also called: SEMD, PAKISTANI TYPE; BRACHYOLMIA TYPE 4 WITH MILD EPIPHYSEAL AND METAPHYSEAL CHANGES; SPONDYLODYSPLASIA AND PREMATURE PUBARCHE. Identifiers: Orphanet 93282, MedGen C2748516, MONDO:0019666, OMIM 612847.

Allele frequency attached by ClinVar (database versions not stated): gnomAD 0.00001; TOPMed 0.00001; gnomAD exomes 0.00002.

Submissions (3):

Blueprint Genetics
Classification: Uncertain significance. Last evaluated: 2024-09-26. Review status: criteria provided, single submitter. Criteria: ACMG Guidelines, 2015. Collection method: clinical testing. Allele origin: germline.

Ambry Genetics
Classification: Uncertain significance for Inborn genetic diseases. Last evaluated: 2022-07-08. Review status: criteria provided, single submitter. Criteria: Ambry Variant Classification Scheme 2023. Collection method: clinical testing. Allele origin: germline.

Labcorp Genetics (formerly Invitae), Labcorp
Classification: Uncertain significance for Spondyloepimetaphyseal dysplasia, PAPSS2 type. Last evaluated: 2021-08-26. Review status: criteria provided, single submitter. Criteria: Invitae Variant Classification Sherloc (09022015). Collection method: clinical testing. Allele origin: germline.
Comment: This sequence change replaces arginine with glutamine at codon 273 of the PAPSS2 protein (p.Arg273Gln). The arginine residue is highly conserved and there is a small physicochemical difference between arginine and glutamine. This variant is not present in population databases (ExAC no frequency). This variant has not been reported in the literature in individuals affected with PAPSS2-related conditions. Algorithms developed to predict the effect of missense changes on protein structure and function are either unavailable or do not agree on the potential impact of this missense change (SIFT: "Deleterious"; PolyPhen-2: "Possibly Damaging"; Align-GVGD: "Class C0"). Algorithms developed to predict the effect of sequence changes on RNA splicing suggest that this variant may create or strengthen a splice site. In summary, the available evidence is currently insufficient to determine the role of this variant in disease. Therefore, it has been classified as a Variant of Uncertain Significance.